The following is an entry in ClinVar:

NM_000186.4(CFH):c.3178G>C (p.Val1060Leu)

Gene: CFH (complement factor H; plus strand). Cytogenetic location: 1q31.3.
Variant type: single nucleotide variant.
Coding change: c.3178G>C on transcript NM_000186.4 (MANE Select); coding-DNA position 3178, G replaced by C.
Protein change: p.Val1060Leu; replaces valine 1060 with leucine.
Molecular consequence: missense variant.
Genome position (GRCh38, 1-based): chr1:196,743,496, G>C. VCF-style: chr1-196743496-G-C. GRCh37 (hg19) VCF-style: chr1-196712626-G-C.
Other names: short protein forms V1060L.
Identifiers: ClinVar variation 294522 (VCV000294522.26), dbSNP rs55771831, ClinGen allele CA1305869.

ClinVar aggregate classification (germline): Benign/Likely benign. Review status: criteria provided, multiple submitters, no conflicts (2 of 4 stars). 16 submissions from 10 submitters: Benign (2); Likely benign (11). 3 of the submissions do not count toward it. Last evaluated 2025-10-02.

Conditions:
Age related macular degeneration 4. Identifiers: MedGen C1853147, MONDO:0012540, OMIM 610698.
Factor H deficiency (CFHD). Also called: CFH DEFICIENCY; COMPLEMENT FACTOR H DEFICIENCY. Identifiers: Orphanet 200421, MedGen C0398777, MONDO:0012350, OMIM 609814.
Basal laminar drusen. Also called: DRUSEN OF BRUCH MEMBRANE; DRUSEN, CUTICULAR; DRUSEN, EARLY ADULT-ONSET, GROUPED. Identifiers: Orphanet 75376, MedGen C0730295, MONDO:0007472, OMIM 126700.
Atypical hemolytic-uremic syndrome. Identifiers: Orphanet 2134, MedGen C2931788, MONDO:0016244.
Inborn genetic diseases. Identifiers: MedGen C0950123, MeSH D030342.
Hemolytic uremic syndrome, atypical, susceptibility to, 1. Also called: AHUS, SUSCEPTIBILITY TO, 1. Identifiers: Orphanet 2134, Orphanet 90038, MedGen C2749604, MONDO:0009335, OMIM 235400. Disease mechanism: Other.
CFH-Related Dense Deposit Disease / Membranoproliferative Glomerulonephritis Type II. Identifiers: MedGen CN071292.

Allele frequency attached by ClinVar (database versions not stated): gnomAD 0.00029 and 0.00043; gnomAD exomes 0.00038 and 0.00061; ExAC 0.00079; TOPMed 0.00094; 1000 Genomes Project 30x 0.00109.
gnomAD v4.1: 616 of 1,613,906 alleles (0.038%); highest among the groups gnomAD compares: East Asian, 1.1%; 6 homozygotes.

Submissions (16):

Genomenon, Inc
Classification: Benign for Basal laminar drusen; Age related macular degeneration 4; Atypical hemolytic-uremic syndrome; Factor H deficiency. Last evaluated: 2025-10-02. Review status: criteria provided, single submitter. Criteria: Genomenon Sequence Variant Interpretation Standards - Updated. Collection method: curation. Allele origin: germline. Affected: no.
Comment: CFH p.Val1060Leu (c.3178G>C) is a missense variant that changes the amino acid at residue 1060 from Valine to Leucine. This variant is present at high allele frequency in population databases. In conclusion, we classify CFH p.Val1060Leu (c.3178G>C) as a benign variant.

CeGaT Center for Human Genetics Tuebingen
Classification: Likely benign. Last evaluated: 2025-02-01. Review status: criteria provided, single submitter. Criteria: CeGaT Center For Human Genetics Tuebingen Variant Classification Criteria Version 2. Collection method: clinical testing. Allele origin: germline. Affected: yes. Observed: 1 variant allele.
Comment: CFH: PM5, BP4, BS1

Blueprint Genetics
Classification: Likely benign. Last evaluated: 2024-11-08. Review status: criteria provided, single submitter. Criteria: ACMG Guidelines, 2015. Collection method: clinical testing. Allele origin: germline.

Ambry Genetics
Classification: Likely benign for Inborn genetic diseases. Last evaluated: 2023-11-02. Review status: criteria provided, single submitter. Criteria: Ambry Variant Classification Scheme 2023. Collection method: clinical testing. Allele origin: germline.

Genome-Nilou Lab
Classification: Likely benign for Hemolytic uremic syndrome, atypical, susceptibility to, 1. Last evaluated: 2023-04-11. Review status: criteria provided, single submitter. Criteria: ACMG Guidelines, 2015. Collection method: clinical testing. Allele origin: germline. Affected: no.

Genome-Nilou Lab
Classification: Likely benign for Age related macular degeneration 4. Last evaluated: 2023-04-11. Review status: criteria provided, single submitter. Criteria: ACMG Guidelines, 2015. Collection method: clinical testing. Allele origin: germline. Affected: no.

Genome-Nilou Lab
Classification: Likely benign for Basal laminar drusen. Last evaluated: 2023-04-11. Review status: criteria provided, single submitter. Criteria: ACMG Guidelines, 2015. Collection method: clinical testing. Allele origin: germline. Affected: no.

Genome-Nilou Lab
Classification: Likely benign for Factor H deficiency. Last evaluated: 2023-04-11. Review status: criteria provided, single submitter. Criteria: ACMG Guidelines, 2015. Collection method: clinical testing. Allele origin: germline. Affected: no.

Fulgent Genetics
Classification: Likely benign for Basal laminar drusen; Hemolytic uremic syndrome, atypical, susceptibility to, 1; Factor H deficiency; Age related macular degeneration 4. Last evaluated: 2021-09-03. Review status: criteria provided, single submitter. Criteria: ACMG Guidelines, 2015. Collection method: clinical testing. Allele origin: unknown.

Illumina Laboratory Services, Illumina
Classification: Likely benign for Basal laminar drusen. Last evaluated: 2018-01-13. Review status: criteria provided, single submitter. Criteria: ICSL Variant Classification Criteria 13 December 2019. Collection method: clinical testing. Allele origin: germline.
Comment: This variant was observed in the ICSL laboratory as part of a predisposition screen in an ostensibly healthy population. It had not been previously curated by ICSL or reported in the Human Gene Mutation Database (HGMD: prior to June 1st, 2018), and was therefore a candidate for classification through an automated scoring system. Utilizing variant allele frequency, disease prevalence and penetrance estimates, and inheritance mode, an automated score was calculated to assess if this variant is too frequent to cause the disease. Based on the score and internal cut-off values, a variant classified as likely benign is not then subjected to further curation. The score for this variant resulted in a classification of likely benign for this disease.

Illumina Laboratory Services, Illumina
Classification: Likely benign for Age related macular degeneration 4. Last evaluated: 2018-01-13. Review status: criteria provided, single submitter. Criteria: ICSL Variant Classification Criteria 13 December 2019. Collection method: clinical testing. Allele origin: germline.
Comment: the same text as in the submission from Illumina Laboratory Services, Illumina above.

Illumina Laboratory Services, Illumina
Classification: Likely benign for Membranoproliferative glomerulonephritis with complement factor h deficiency. Last evaluated: 2018-01-13. Review status: criteria provided, single submitter. Criteria: ICSL Variant Classification Criteria 13 December 2019. Collection method: clinical testing. Allele origin: germline.
Comment: the same text as in the submission from Illumina Laboratory Services, Illumina above.

Illumina Laboratory Services, Illumina
Classification: Benign for Hemolytic uremic syndrome, atypical, susceptibility to, 1. Last evaluated: 2018-01-13. Review status: criteria provided, single submitter. Criteria: ICSL Variant Classification Criteria 13 December 2019. Collection method: clinical testing. Allele origin: germline.
Comment: This variant was observed in the ICSL laboratory as part of a predisposition screen in an ostensibly healthy population. It had not been previously curated by ICSL or reported in the Human Gene Mutation Database (HGMD: prior to June 1st, 2018), and was therefore a candidate for classification through an automated scoring system. Utilizing variant allele frequency, disease prevalence and penetrance estimates, and inheritance mode, an automated score was calculated to assess if this variant is too frequent to cause the disease. Based on the score and internal cut-off values, a variant classified as benign is not then subjected to further curation. The score for this variant resulted in a classification of benign for this disease.

Clinical Genetics DNA and cytogenetics Diagnostics Lab, Erasmus MC, Erasmus Medical Center
Classification: Likely benign. Review status: no assertion criteria provided. Collection method: clinical testing. Allele origin: germline. Affected: yes. Study: VKGL Data-share Consensus. Not counted in ClinVar's aggregate classification.

Clinical Genetics, Academic Medical Center
Classification: Likely benign. Review status: no assertion criteria provided. Collection method: clinical testing. Allele origin: germline. Affected: yes. Study: VKGL Data-share Consensus. Not counted in ClinVar's aggregate classification.

Genome Diagnostics Laboratory, University Medical Center Utrecht
Classification: Likely benign. Review status: no assertion criteria provided. Collection method: clinical testing. Allele origin: germline. Affected: yes. Study: VKGL Data-share Consensus. Not counted in ClinVar's aggregate classification.